The following is an entry in ClinVar:

NM_002340.6(LSS):c.363C>T (p.Ala121=)

Gene: LSS (lanosterol synthase; minus strand). Cytogenetic location: 21q22.3.
Variant type: single nucleotide variant.
Coding change: c.363C>T on transcript NM_002340.6 (MANE Select); coding-DNA position 363, C replaced by T.
Protein change: p.Ala121=; no amino-acid change (alanine 121 retained).
Molecular consequence: synonymous variant.
Genome position (GRCh38, 1-based): chr21:46,222,695, G>A on the plus strand (C>T on the coding strand, the complement: LSS is on the minus strand). VCF-style: chr21-46222695-G-A. GRCh37 (hg19) VCF-style: chr21-47642609-G-A.
Other names: c.363C>T, p.Ala121= (NM_001001438.3, NM_001145436.2); c.123C>T, p.Ala41= (NM_001145437.2); c.363C>T (NM_001001438.2).
Identifiers: ClinVar variation 677219 (VCV000677219.12), dbSNP rs11558754, ClinGen allele CA10075502.

ClinVar aggregate classification (germline): Benign. Review status: criteria provided, multiple submitters, no conflicts (2 of 4 stars). 4 submissions from 4 submitters: Benign (3). 1 of the submissions does not count toward it. Last evaluated 2026-01-28.

Conditions:
LSS-related disorder. Also called: LSS-related condition.

Allele frequency attached by ClinVar (database versions not stated): gnomAD exomes 0.15813 and 0.13586; 1000 Genomes Project 30x 0.12086; 1000 Genomes Project 0.12280; ExAC 0.13771; gnomAD 0.14357 and 0.14562; ESP Exome Variant Server 0.15693; TOPMed 0.14893.
gnomAD v4.1: 252,558 of 1,613,614 alleles (16%); highest among the groups gnomAD compares: Middle Eastern, 18%; 20,596 homozygotes.

Submissions (4):

Labcorp Genetics (formerly Invitae), Labcorp
Classification: Benign. Last evaluated: 2026-01-28. Review status: criteria provided, single submitter. Criteria: Invitae Variant Classification Sherloc (09022015). Collection method: clinical testing. Allele origin: germline.

GeneDx
Classification: Benign. Last evaluated: 2018-03-24. Review status: criteria provided, single submitter. Criteria: GeneDx Variant Classification (06012015). Collection method: clinical testing. Allele origin: germline. Affected: yes.
Comment: This variant is considered likely benign or benign based on one or more of the following criteria: it is a conservative change, it occurs at a poorly conserved position in the protein, it is predicted to be benign by multiple in silico algorithms, and/or has population frequency not consistent with disease.

Breakthrough Genomics
Classification: Benign. Review status: criteria provided, single submitter. Criteria: ACMG Guidelines, 2015. Collection method: not provided. Allele origin: germline. Inheritance: Autosomal recessive inheritance. Affected: yes.

PreventionGenetics, part of Exact Sciences
Classification: Benign for LSS-related condition. Last evaluated: 2019-07-15. Review status: no assertion criteria provided. Collection method: clinical testing. Allele origin: germline. Not counted in ClinVar's aggregate classification.
Comment: This variant is classified as benign based on ACMG/AMP sequence variant interpretation guidelines (Richards et al. 2015 PMID: 25741868, with internal and published modifications).